The following is an entry in ClinVar:

NM_001042492.3(NF1):c.5030T>A (p.Val1677Asp)

Gene: NF1 (neurofibromin 1; plus strand). Cytogenetic location: 17q11.2.
Variant type: single nucleotide variant.
Coding change: c.5030T>A on transcript NM_001042492.3 (MANE Select); coding-DNA position 5030, T replaced by A.
Protein change: p.Val1677Asp; replaces valine 1677 with aspartic acid.
Molecular consequence: missense variant.
Genome position (GRCh38, 1-based): chr17:31,326,014, T>A. VCF-style: chr17-31326014-T-A. GRCh37 (hg19) VCF-style: chr17-29653032-T-A.
Other names: c.4967T>A, p.Val1656Asp (NM_000267.4); short protein forms V1656D, V1677D.
Identifiers: ClinVar variation 404614 (VCV000404614.6), dbSNP rs1060500384, ClinGen allele CA16615532.
Genomic context (GRCh38, chr17:31,326,014, plus strand): 5'-ACTTTCTCTCTAAGTGGTTTGTTGTTTTTCCTGGCTTTGCTTACGACAACGTCTCCGCAG[T>A]CTATATCTATAACTGTAACTCCTGGGTCAGGGAGTACACCAAGTATCATGAGCGGCTGCT-3'
Protein context (NP_001035957.1, residues 1667-1687): PGFAYDNVSA[Val1677Asp]YIYNCNSWVR

ClinVar aggregate classification (germline): Uncertain significance. Review status: criteria provided, multiple submitters, no conflicts (2 of 4 stars). 2 submissions from 2 submitters: Uncertain significance (2). Last evaluated 2026-03-04.

Conditions:
Neurofibromatosis, type 1 (NF1). Also called: Neurofibromatosis, type I; VON RECKLINGHAUSEN DISEASE; Peripheral type neurofibromatosis; NEUROFIBROMATOSIS, TYPE I, SOMATIC. Identifiers: Orphanet 636, MedGen C0027831, MONDO:0018975, OMIM 162200. Disease mechanism: loss of function.

Submissions (2):

GeneDx
Classification: Uncertain significance. Last evaluated: 2026-03-04. Review status: criteria provided, single submitter. Criteria: GeneDx Variant Classification Process June 2021. Collection method: clinical testing. Allele origin: germline.
Comment: Not observed at significant frequency in large population cohorts (gnomAD); In silico analysis supports that this missense variant has a deleterious effect on protein structure/function; Has not been previously published as pathogenic or benign to our knowledge

Labcorp Genetics (formerly Invitae), Labcorp
Classification: Uncertain significance for Neurofibromatosis, type 1. Last evaluated: 2023-08-31. Review status: criteria provided, single submitter. Criteria: Invitae Variant Classification Sherloc (09022015). Collection method: clinical testing. Allele origin: germline.
Comment: ClinVar contains an entry for this variant (Variation ID: 404614). This variant has not been reported in the literature in individuals affected with NF1-related conditions. This variant is not present in population databases (gnomAD no frequency). This sequence change replaces valine, which is neutral and non-polar, with aspartic acid, which is acidic and polar, at codon 1656 of the NF1 protein (p.Val1656Asp). Advanced modeling of protein sequence and biophysical properties (such as structural, functional, and spatial information, amino acid conservation, physicochemical variation, residue mobility, and thermodynamic stability) performed at Invitae indicates that this missense variant is expected to disrupt NF1 protein function. In summary, the available evidence is currently insufficient to determine the role of this variant in disease. Therefore, it has been classified as a Variant of Uncertain Significance.